The following is an entry in ClinVar:

NM_000481.4(AMT):c.510G>C (p.Val170=)

Gene: AMT (aminomethyltransferase; minus strand). Cytogenetic location: 3p21.31.
Variant type: single nucleotide variant.
Coding change: c.510G>C on transcript NM_000481.4 (MANE Select); coding-DNA position 510, G replaced by C.
Protein change: p.Val170=; no amino-acid change (valine 170 retained).
Molecular consequence: synonymous variant. On other transcripts: non-coding transcript variant (1).
Genome position (GRCh38, 1-based): chr3:49,419,750, C>G on the plus strand (G>C on the coding strand, the complement: AMT is on the minus strand). VCF-style: chr3-49419750-C-G. GRCh37 (hg19) VCF-style: chr3-49457183-C-G.
Other names: c.378G>C, p.Val126= (NM_001164710.2); c.342G>C, p.Val114= (NM_001164711.2); c.510G>C, p.Val170= (NM_001164712.2).
Identifiers: ClinVar variation 772243 (VCV000772243.24), dbSNP rs140380954, ClinGen allele CA2398339.
Genomic context (GRCh38, chr3:49,419,750, plus strand): 5'-CCCCAGCCCAGCCCTCTCACCTTGCAGAGCTAGCAGGGCATTATCCAACACCTCCAGGCC[C>G]ACATCTCTGCCCTGGTTCTGAAGCTCCCTGACCTTGTCCTAAAAGACAGAAACACAAGAG-3'
Protein context (NP_000472.2, residues 160-180): VRELQNQGRD[Val170=]GLEVLDNALL

ClinVar aggregate classification (germline): Benign/Likely benign. Review status: criteria provided, multiple submitters, no conflicts (2 of 4 stars). 7 submissions from 7 submitters: Benign (2); Likely benign (3). 2 of the submissions do not count toward it. Last evaluated 2026-01-19.

Conditions:
Glycine encephalopathy. Also called: Non-ketotic hyperglycinemia; Nonketotic hyperglycinemia. Identifiers: Orphanet 407, MedGen C0751748, MONDO:0011612, HP:0008288.
Glycine encephalopathy 2 (GCE2). Identifiers: MedGen C5830559, MONDO:0958192, OMIM 620398.
AMT-related disorder. Also called: AMT-related condition.

Allele frequency attached by ClinVar (database versions not stated): gnomAD exomes 0.00006 and 0.00019; ExAC 0.00021; 1000 Genomes Project 30x 0.00047; 1000 Genomes Project 0.00060; ESP Exome Variant Server 0.00069; TOPMed 0.00080; gnomAD 0.00081 and 0.00091.
gnomAD v4.1: 211 of 1,614,184 alleles (0.013%); highest among the groups gnomAD compares: African/African-American, 0.25%; no homozygotes.

Submissions (7):

Labcorp Genetics (formerly Invitae), Labcorp
Classification: Benign for Glycine encephalopathy. Last evaluated: 2026-01-19. Review status: criteria provided, single submitter. Criteria: Invitae Variant Classification Sherloc (09022015). Collection method: clinical testing. Allele origin: germline.

CeGaT Center for Human Genetics Tuebingen
Classification: Likely benign. Last evaluated: 2025-09-01. Review status: criteria provided, single submitter. Criteria: CeGaT Center For Human Genetics Tuebingen Variant Classification Criteria Version 2. Collection method: clinical testing. Allele origin: germline. Affected: yes. Observed: 1 variant allele.
Comment: AMT: BP4, BP7

ARUP Laboratories, Molecular Genetics and Genomics, ARUP Laboratories
Classification: Benign for Glycine encephalopathy 2. Last evaluated: 2024-10-23. Review status: criteria provided, single submitter. Criteria: ARUP Molecular Germline Variant Investigation Process 2024. Collection method: clinical testing. Allele origin: germline.

Women's Health and Genetics/Laboratory Corporation of America, LabCorp
Classification: Likely benign. Last evaluated: 2024-06-14. Review status: criteria provided, single submitter. Criteria: LabCorp Variant Classification Summary - May 2015. Collection method: clinical testing. Allele origin: germline.

Blueprint Genetics
Classification: Likely benign. Last evaluated: 2022-10-11. Review status: criteria provided, single submitter. Criteria: ACMG Guidelines, 2015. Collection method: clinical testing. Allele origin: germline.

PreventionGenetics, part of Exact Sciences
Classification: Likely benign for AMT-related condition. Last evaluated: 2024-04-16. Review status: no assertion criteria provided. Collection method: clinical testing. Allele origin: germline. Not counted in ClinVar's aggregate classification.
Comment: This variant is classified as likely benign based on ACMG/AMP sequence variant interpretation guidelines (Richards et al. 2015 PMID: 25741868, with internal and published modifications).

Natera, Inc.
Classification: Likely benign for Non-ketotic hyperglycinemia. Last evaluated: 2019-10-24. Review status: no assertion criteria provided. Collection method: clinical testing. Allele origin: germline. Not counted in ClinVar's aggregate classification.